The following is an entry in ClinVar:

ClinVar aggregate classification (germline): Likely benign (1 of 4 stars; one submission).

Allele frequency attached by ClinVar (database versions not stated): gnomAD 0.00001; 1000 Genomes Project 30x 0.00016; 1000 Genomes Project 0.00020.

Submission:

CeGaT Center for Human Genetics Tuebingen
Classification: Likely benign. Last evaluated: 2026-08-01. Review status: criteria provided, single submitter. Criteria: CeGaT Center For Human Genetics Tuebingen Variant Classification Criteria Version 2. Collection method: clinical testing. Allele origin: germline. Affected: yes. Observed: 6 variant alleles.
Comment: BTBD17: BP4, BP7

NM_001080466.2(BTBD17):c.456C>G (p.Arg152=)

Gene: BTBD17 (BTB domain containing 17; minus strand). Cytogenetic location: 17q25.1.
Variant type: single nucleotide variant.
Coding change: c.456C>G on transcript NM_001080466.2 (MANE Select); coding-DNA position 456, C replaced by G.
Protein change: p.Arg152=; no amino-acid change (arginine 152 retained).
Molecular consequence: synonymous variant.
Genome position (GRCh38, 1-based): chr17:74,357,638, G>C on the plus strand (C>G on the coding strand, the complement: BTBD17 is on the minus strand). VCF-style: chr17-74357638-G-C. GRCh37 (hg19) VCF-style: chr17-72353777-G-C.
Identifiers: ClinVar variation 2648218 (VCV002648218.24), dbSNP rs566007049, ClinGen allele CA293864300.